The following is an entry in ClinVar:

ClinVar aggregate classification (germline): Conflicting classifications of pathogenicity. Review status: criteria provided, conflicting classifications (1 of 4 stars). 5 submissions from 5 submitters: Uncertain significance (2); Likely benign (2). 1 of the submissions does not count toward it. Last evaluated 2026-04-02.

Conditions:
RYR1-related disorder. Also called: RYR1-related condition; RYR1-related disorders. Identifiers: MedGen CN239331.
Malignant hyperthermia, susceptibility to, 1 (MHS1). Also called: Malignant hyperthermia suceptibility 1; Anesthesia related hyperthermia; Malignant hyperpyrexia; Fulminating hyperpyrexia; Pharmacogenic myopathy; RYR1-Related Malignant Hyperthermia Susceptibility. Identifiers: Orphanet 423, MedGen C2930980, MONDO:0007783, OMIM 145600.

Allele frequency attached by ClinVar (database versions not stated): TOPMed 0.00004; gnomAD 0.00002; ExAC 0.00004; gnomAD exomes 0.00009.

Submissions (5):

GeneDx
Classification: Uncertain significance. Last evaluated: 2026-04-02. Review status: criteria provided, single submitter. Criteria: GeneDx Variant Classification Process June 2021. Collection method: clinical testing. Allele origin: germline.
Comment: Reported heterozygous in a proband with a clinical diagnosis of congenital myopathy, but the variant was inherited from a parent with no clinical information provided (PMID: 27066551); In silico analysis supports that this missense variant has a deleterious effect on protein structure/function; This variant is associated with the following publications: (PMID: 27066551)

Color Diagnostics, LLC DBA Color Health
Classification: Likely benign for Malignant hyperthermia, susceptibility to, 1. Last evaluated: 2022-12-22. Review status: criteria provided, single submitter. Criteria: ACMG Guidelines, 2015. Collection method: clinical testing. Allele origin: germline.

Labcorp Genetics (formerly Invitae), Labcorp
Classification: Uncertain significance for RYR1-related disorder. Last evaluated: 2022-09-13. Review status: criteria provided, single submitter. Criteria: Invitae Variant Classification Sherloc (09022015). Collection method: clinical testing. Allele origin: germline.
Comment: This sequence change replaces histidine, which is basic and polar, with tyrosine, which is neutral and polar, at codon 735 of the RYR1 protein (p.His735Tyr). This variant is present in population databases (rs771629253, gnomAD 0.1%). This missense change has been observed in individual(s) with malignant hyperthermia (PMID: 27066551). ClinVar contains an entry for this variant (Variation ID: 1427206). Advanced modeling of protein sequence and biophysical properties (such as structural, functional, and spatial information, amino acid conservation, physicochemical variation, residue mobility, and thermodynamic stability) has been performed at Invitae for this missense variant, however the output from this modeling did not meet the statistical confidence thresholds required to predict the impact of this variant on RYR1 protein function. In summary, the available evidence is currently insufficient to determine the role of this variant in disease. Therefore, it has been classified as a Variant of Uncertain Significance.

Women's Health and Genetics/Laboratory Corporation of America, LabCorp
Classification: Likely benign. Last evaluated: 2022-08-06. Review status: criteria provided, single submitter. Criteria: LabCorp Variant Classification Summary - May 2015. Collection method: clinical testing. Allele origin: germline.

PreventionGenetics, part of Exact Sciences
Classification: Uncertain significance for RYR1-related condition. Last evaluated: 2023-12-13. Review status: no assertion criteria provided. Collection method: clinical testing. Allele origin: germline. Not counted in ClinVar's aggregate classification.
Comment: The RYR1 c.2203C>T variant is predicted to result in the amino acid substitution p.His735Tyr. This variant was reported in an individual who presented in infancy with congenital myopathy, but the variant was paternally inherited and no second RYR1 was detected (Tian et al 2015. PubMed ID: 27066551). This variant is reported in 0.12% of alleles in individuals of East Asian descent in gnomAD. At this time, the clinical significance of this variant is uncertain due to the absence of conclusive functional and genetic evidence.

Literature cited by the submitters: PubMed 27066551 (cited by Labcorp Genetics (formerly Invitae), Labcorp).

NM_000540.3(RYR1):c.2203C>T (p.His735Tyr)

Gene: RYR1 (ryanodine receptor 1; plus strand). Cytogenetic location: 19q13.2.
Variant type: single nucleotide variant.
Coding change: c.2203C>T on transcript NM_000540.3 (MANE Select); coding-DNA position 2203, C replaced by T.
Protein change: p.His735Tyr; replaces histidine 735 with tyrosine.
Molecular consequence: missense variant.
Genome position (GRCh38, 1-based): chr19:38,459,181, C>T. VCF-style: chr19-38459181-C-T. GRCh37 (hg19) VCF-style: chr19-38949821-C-T.
Other names: c.2203C>T, p.His735Tyr (NM_001042723.2); short protein forms H735Y.
Identifiers: ClinVar variation 1427206 (VCV001427206.10), dbSNP rs771629253, ClinGen allele CA063013.
Genomic context (GRCh38, chr19:38,459,181, plus strand): 5'-GACCCATCTCTGGTGACTGATGCAGGACACGTGGCACGCCCAGTGACTTCCCCAGGGCAG[C>T]ACCTCCTGGCCCCTGAAGACGTGATCAGCTGCTGCCTGGACCTCAGCGTGCCGTCCATCT-3'
Protein context (NP_000531.2, residues 725-745): VARPVTSPGQ[His735Tyr]LLAPEDVISC